The following is an entry in ClinVar:

NM_006231.4(POLE):c.4411C>T (p.Arg1471Cys)

Gene: POLE (DNA polymerase epsilon, catalytic subunit; minus strand). Cytogenetic location: 12q24.33.
Variant type: single nucleotide variant.
Coding change: c.4411C>T on transcript NM_006231.4 (MANE Select); coding-DNA position 4411, C replaced by T.
Protein change: p.Arg1471Cys; replaces arginine 1471 with cysteine.
Molecular consequence: missense variant.
Genome position (GRCh38, 1-based): chr12:132,643,440, G>A on the plus strand (C>T on the coding strand, the complement: POLE is on the minus strand). VCF-style: chr12-132643440-G-A. GRCh37 (hg19) VCF-style: chr12-133220026-G-A.
Other names: short protein forms R1471C.
Identifiers: ClinVar variation 240513 (VCV000240513.41), dbSNP rs528264567, ClinGen allele CA6892863.

ClinVar aggregate classification (germline): Uncertain significance. Review status: criteria provided, multiple submitters, no conflicts (2 of 4 stars). 7 submissions from 7 submitters: Uncertain significance (7). Last evaluated 2026-01-28.

Conditions:
Hereditary cancer-predisposing syndrome. Also called: Tumor predisposition; Hereditary Cancer Syndrome; Neoplastic Syndromes, Hereditary; Hereditary neoplastic syndrome. Identifiers: Orphanet 140162, MedGen C0027672, MeSH D009386, MONDO:0015356.

Allele frequency attached by ClinVar (database versions not stated): gnomAD 0.00001; TOPMed 0.00002; gnomAD exomes 0.00003 and 0.00008; ExAC 0.00010; 1000 Genomes Project 30x 0.00016; 1000 Genomes Project 0.00020.
gnomAD v4.1: 41 of 1,614,222 alleles (0.0025%); highest among the groups gnomAD compares: Admixed American, 0.025%; no homozygotes.

Submissions (7):

Labcorp Genetics (formerly Invitae), Labcorp
Classification: Uncertain significance. Last evaluated: 2026-01-28. Review status: criteria provided, single submitter. Criteria: Invitae Variant Classification Sherloc (09022015). Collection method: clinical testing. Allele origin: germline.
Comment: This sequence change replaces arginine, which is basic and polar, with cysteine, which is neutral and slightly polar, at codon 1471 of the POLE protein (p.Arg1471Cys). This variant is present in population databases (rs528264567, gnomAD 0.04%). This missense change has been observed in individual(s) with breast cancer and/or clinical features of familial adenomatous polyposis (PMID: 30093976, 34897210). ClinVar contains an entry for this variant (Variation ID: 240513). Invitae Evidence Modeling of protein sequence and biophysical properties (such as structural, functional, and spatial information, amino acid conservation, physicochemical variation, residue mobility, and thermodynamic stability) indicates that this missense variant is not expected to disrupt POLE protein function with a negative predictive value of 80%. In summary, the available evidence is currently insufficient to determine the role of this variant in disease. Therefore, it has been classified as a Variant of Uncertain Significance.

Center for Genomic Medicine, Rigshospitalet, Copenhagen University Hospital
Classification: Uncertain significance. Last evaluated: 2025-03-04. Review status: criteria provided, single submitter. Criteria: ACMG Guidelines, 2015. Collection method: clinical testing. Allele origin: germline.

CeGaT Center for Human Genetics Tuebingen
Classification: Uncertain significance. Last evaluated: 2025-02-01. Review status: criteria provided, single submitter. Criteria: CeGaT Center For Human Genetics Tuebingen Variant Classification Criteria Version 2. Collection method: clinical testing. Allele origin: germline. Affected: yes. Observed: 1 variant allele.

Ambry Genetics
Classification: Uncertain significance for Hereditary cancer-predisposing syndrome. Last evaluated: 2024-08-23. Review status: criteria provided, single submitter. Criteria: Ambry Variant Classification Scheme 2023. Collection method: clinical testing. Allele origin: germline.
Comment: The p.R1471C variant (also known as c.4411C>T), located in coding exon 34 of the POLE gene, results from a C to T substitution at nucleotide position 4411. The arginine at codon 1471 is replaced by cysteine, an amino acid with highly dissimilar properties. This amino acid position is well conserved in available vertebrate species. In addition, the in silico prediction for this alteration is inconclusive. Based on the available evidence, the clinical significance of this variant remains unclear.

GeneDx
Classification: Uncertain significance. Last evaluated: 2024-02-12. Review status: criteria provided, single submitter. Criteria: GeneDx Variant Classification Process June 2021. Collection method: clinical testing. Allele origin: germline. Affected: yes.
Comment: In silico analysis supports that this missense variant has a deleterious effect on protein structure/function; Observed in an individual with clinical features of familial adenomatous polyposis (FAP) or attenuated FAP and also in individuals with breast cancer (PMID: 30093976, 34897210, 32091409); This variant is associated with the following publications: (PMID: 29320758, 29056344, 34897210, 30093976, 32091409)

Clinical Genetics Laboratory, Skane University Hospital Lund
Classification: Uncertain significance. Last evaluated: 2022-05-27. Review status: criteria provided, single submitter. Criteria: ACMG Guidelines, 2015. Collection method: clinical testing. Allele origin: germline. Affected: yes.

Revvity Omics, Revvity
Classification: Uncertain significance. Last evaluated: 2022-03-10. Review status: criteria provided, single submitter. Criteria: ACMG Guidelines, 2015. Collection method: clinical testing. Allele origin: germline.

Literature cited by the submitters: PubMed 30093976 (cited by Labcorp Genetics (formerly Invitae), Labcorp and Center for Genomic Medicine, Rigshospitalet, Copenhagen University Hospital); PubMed 34897210 (cited by Labcorp Genetics (formerly Invitae), Labcorp and Ambry Genetics).